The following is an entry in ClinVar:

ClinVar aggregate classification (germline): Uncertain significance (1 of 4 stars; one submission).

Conditions:
Charcot-Marie-Tooth disease type 4. Also called: Charcot-Marie-Tooth disease, type IV; Charcot-Marie-Tooth, Type 4. Identifiers: Orphanet 64749, MedGen C4082197, MONDO:0018995.

Allele frequency attached by ClinVar (database versions not stated): gnomAD exomes below 0.00001; TOPMed 0.00001.
gnomAD v4.1: 3 of 1,556,576 alleles (0.00019%); highest among the groups gnomAD compares: Non-Finnish European, 0.00026%; no homozygotes.

Submission:

Labcorp Genetics (formerly Invitae), Labcorp
Classification: Uncertain significance for Charcot-Marie-Tooth disease type 4. Last evaluated: 2022-06-29. Review status: criteria provided, single submitter. Criteria: Invitae Variant Classification Sherloc (09022015). Collection method: clinical testing. Allele origin: germline.
Comment: In summary, the available evidence is currently insufficient to determine the role of this variant in disease. Therefore, it has been classified as a Variant of Uncertain Significance. Algorithms developed to predict the effect of missense changes on protein structure and function are either unavailable or do not agree on the potential impact of this missense change (SIFT: "Deleterious"; PolyPhen-2: "Possibly Damaging"; Align-GVGD: "Class C0"). This variant has not been reported in the literature in individuals affected with MTMR2-related conditions. The frequency data for this variant in the population databases is considered unreliable, as metrics indicate poor data quality at this position in the gnomAD database. This sequence change replaces serine, which is neutral and polar, with asparagine, which is neutral and polar, at codon 21 of the MTMR2 protein (p.Ser21Asn).

NM_016156.6(MTMR2):c.62G>A (p.Ser21Asn)

Gene: MTMR2 (myotubularin related protein 2; minus strand). Cytogenetic location: 11q21.
Variant type: single nucleotide variant.
Coding change: c.62G>A on transcript NM_016156.6 (MANE Select); coding-DNA position 62, G replaced by A.
Protein change: p.Ser21Asn; replaces serine 21 with asparagine.
Molecular consequence: missense variant. On other transcripts: 5 prime UTR variant (3).
Genome position (GRCh38, 1-based): chr11:95,923,893, C>T on the plus strand (G>A on the coding strand, the complement: MTMR2 is on the minus strand). VCF-style: chr11-95923893-C-T. GRCh37 (hg19) VCF-style: chr11-95657057-C-T.
Other names: c.-422G>A (NM_001243571.2); c.-349G>A (NM_201278.3); c.-226G>A (NM_201281.3); short protein forms S21N.
Identifiers: ClinVar variation 2154273 (VCV002154273.4), dbSNP rs750766331, ClinGen allele CA382416201.
Genomic context (GRCh38, chr11:95,923,893, plus strand): 5'-TCCCCTTCGGACGCTGGGCGGGGCCCTGGGCGTCCTGGTTACCTGGACAAGGAGTCCACG[C>T]TGGGCGGCCGAGCCGCCGCCGGCTGGGAGCCAAGACTCTCGCAGCTCGAGCTCTTCTCCA-3'
Protein context (NP_057240.3, residues 11-31): GSQPAAARPP[Ser21Asn]VDSLSSASTS